The following is an entry in ClinVar:

ClinVar aggregate classification (germline): Uncertain significance (1 of 4 stars; one submission).

Submission:

Labcorp Genetics (formerly Invitae), Labcorp
Classification: Uncertain significance. Last evaluated: 2022-07-08. Review status: criteria provided, single submitter. Criteria: Invitae Variant Classification Sherloc (09022015). Collection method: clinical testing. Allele origin: germline.
Comment: In summary, the available evidence is currently insufficient to determine the role of this variant in disease. Therefore, it has been classified as a Variant of Uncertain Significance. Variants that disrupt the consensus splice site are a relatively common cause of aberrant splicing (PMID: 17576681, 9536098). Algorithms developed to predict the effect of sequence changes on RNA splicing suggest that this variant may disrupt the consensus splice site. This variant has not been reported in the literature in individuals affected with CACNA1D-related conditions. This variant is not present in population databases (gnomAD no frequency). This sequence change falls in intron 6 of the CACNA1D gene. It does not directly change the encoded amino acid sequence of the CACNA1D protein. It affects a nucleotide within the consensus splice site.

Literature cited by the submitters: PubMed 17576681; PubMed 9536098.

NM_001128840.3(CACNA1D):c.919+5G>A

Gene: CACNA1D (calcium voltage-gated channel subunit alpha1 D; plus strand). Cytogenetic location: 3p21.1.
Variant type: single nucleotide variant.
Coding change: c.919+5G>A on transcript NM_001128840.3 (MANE Select); 5 bases into the intron after coding-DNA position 919, G replaced by A.
Molecular consequence: intron variant.
Genome position (GRCh38, 1-based): chr3:53,665,817, G>A. VCF-style: chr3-53665817-G-A. GRCh37 (hg19) VCF-style: chr3-53699844-G-A.
Other names: c.919+5G>A (NM_001128839.3, NM_000720.4).
Identifiers: ClinVar variation 2075246 (VCV002075246.4), dbSNP rs2473019852, ClinGen allele CA2580070250.